The following is an entry in ClinVar:

NM_000038.6(APC):c.6323C>T (p.Ala2108Val)

Gene: APC (APC regulator of Wnt signaling pathway; plus strand). Cytogenetic location: 5q22.2.
Variant type: single nucleotide variant.
Coding change: c.6323C>T on transcript NM_000038.6 (MANE Select); coding-DNA position 6323, C replaced by T.
Protein change: p.Ala2108Val; replaces alanine 2108 with valine.
Molecular consequence: missense variant.
Genome position (GRCh38, 1-based): chr5:112,841,917, C>T. VCF-style: chr5-112841917-C-T. GRCh37 (hg19) VCF-style: chr5-112177614-C-T.
Other names: c.6323C>T (NM_000038.5); c.6323C>T, p.Ala2108Val (NM_001127510.3, NM_001354895.2); c.6269C>T, p.Ala2090Val (NM_001127511.3); c.6377C>T, p.Ala2126Val (NM_001354896.2); c.6353C>T, p.Ala2118Val (NM_001354897.2); c.6248C>T, p.Ala2083Val (NM_001354898.2); c.6239C>T, p.Ala2080Val (NM_001354899.2); c.6200C>T, p.Ala2067Val (NM_001354900.2); and 6 more; short protein forms A1825V, A1948V, A1982V, A2007V, A2017V, A2049V, A2067V, A2080V.
Identifiers: ClinVar variation 1058968 (VCV001058968.11), dbSNP rs2149962383, ClinGen allele CA16035182.

ClinVar aggregate classification (germline): Uncertain significance. Review status: criteria provided, multiple submitters, no conflicts (2 of 4 stars). 2 submissions from 2 submitters: Uncertain significance (2). Last evaluated 2025-12-23.

Conditions:
Hereditary cancer-predisposing syndrome. Also called: Neoplastic Syndromes, Hereditary; Hereditary Cancer Syndrome; Hereditary neoplastic syndrome; Tumor predisposition. Identifiers: Orphanet 140162, MedGen C0027672, MeSH D009386, MONDO:0015356.
Familial adenomatous polyposis 1 (FAP1). Also called: FAMILIAL ADENOMATOUS POLYPOSIS 1, ATTENUATED; POLYPOSIS, ADENOMATOUS INTESTINAL. Identifiers: MedGen C2713442, MONDO:0021056, OMIM 175100. Disease mechanism: loss of function.

Submissions (2):

Labcorp Genetics (formerly Invitae), Labcorp
Classification: Uncertain significance for Familial adenomatous polyposis 1. Last evaluated: 2025-12-23. Review status: criteria provided, single submitter. Criteria: Invitae Variant Classification Sherloc (09022015). Collection method: clinical testing. Allele origin: germline.
Comment: This sequence change replaces alanine, which is neutral and non-polar, with valine, which is neutral and non-polar, at codon 2108 of the APC protein (p.Ala2108Val). This variant is not present in population databases (gnomAD no frequency). This variant has not been reported in the literature in individuals affected with APC-related conditions. ClinVar contains an entry for this variant (Variation ID: 1058968). Invitae Evidence Modeling of protein sequence and biophysical properties (such as structural, functional, and spatial information, amino acid conservation, physicochemical variation, residue mobility, and thermodynamic stability) has been performed for this missense variant. However, the output from this modeling did not meet the statistical confidence thresholds required to predict the impact of this variant on APC protein function. In summary, the available evidence is currently insufficient to determine the role of this variant in disease. Therefore, it has been classified as a Variant of Uncertain Significance.

Ambry Genetics
Classification: Uncertain significance for Hereditary cancer-predisposing syndrome. Last evaluated: 2025-06-30. Review status: criteria provided, single submitter. Criteria: Ambry Variant Classification Scheme 2023. Collection method: clinical testing. Allele origin: germline.
Comment: The p.A2108V variant (also known as c.6323C>T), located in coding exon 15 of the APC gene, results from a C to T substitution at nucleotide position 6323. The alanine at codon 2108 is replaced by valine, an amino acid with similar properties. This amino acid position is conserved. In addition, in silico predictors for this gene do not accurately predict pathogenicity. Based on the available evidence, the clinical significance of this variant remains unclear.